The following is an entry in ClinVar:

NM_000038.6(APC):c.-16C>T

Gene: APC (APC regulator of Wnt signaling pathway; plus strand). Cytogenetic location: 5q22.2.
Variant type: single nucleotide variant.
Coding change: c.-16C>T on transcript NM_000038.6 (MANE Select); 16 bases upstream of the start codon, C replaced by T.
Molecular consequence: 5 prime UTR variant. On other transcripts: intron variant (8).
Genome position (GRCh38, 1-based): chr5:112,754,875, C>T. VCF-style: chr5-112754875-C-T. GRCh37 (hg19) VCF-style: chr5-112090572-C-T.
Other names: c.-16C>T (NM_001127510.3, NM_001354895.2, NM_001354896.2 and 2 more transcripts); c.-1051C>T (NM_001354906.2); c.166-11451C>T (NM_001354897.2, NM_001354902.2, NM_001127511.3); c.61-11451C>T (NM_001354898.2, NM_001354904.2); c.-42-11451C>T (NM_001354900.2, NM_001354901.2, NM_001354905.2).
Identifiers: ClinVar variation 377488 (VCV000377488.4), dbSNP rs371665872, ClinGen allele CA029099.

ClinVar aggregate classification (germline): Benign/Likely benign. Review status: criteria provided, multiple submitters, no conflicts (2 of 4 stars). 3 submissions from 3 submitters: Benign (1); Likely benign (2). Last evaluated 2021-12-09.

Conditions:
Hereditary cancer-predisposing syndrome. Also called: Tumor predisposition; Neoplastic Syndromes, Hereditary; Hereditary neoplastic syndrome; Hereditary Cancer Syndrome. Identifiers: Orphanet 140162, MedGen C0027672, MeSH D009386, MONDO:0015356.

Allele frequency attached by ClinVar (database versions not stated): TOPMed 0.00003; gnomAD 0.00005; ESP Exome Variant Server 0.00008.
gnomAD v4.1: 66 of 1,613,248 alleles (0.0041%); highest among the groups gnomAD compares: Non-Finnish European, 0.0053%; no homozygotes.

Submissions (3):

Blueprint Genetics
Classification: Likely benign. Last evaluated: 2021-12-09. Review status: criteria provided, single submitter. Criteria: ACMG Guidelines, 2015. Collection method: clinical testing. Allele origin: germline.

Color Diagnostics, LLC DBA Color Health
Classification: Likely benign for Hereditary cancer-predisposing syndrome. Last evaluated: 2017-07-06. Review status: criteria provided, single submitter. Criteria: ACMG Guidelines, 2015. Collection method: clinical testing. Allele origin: germline.

GeneDx
Classification: Benign. Last evaluated: 2015-08-18. Review status: criteria provided, single submitter. Criteria: GeneDx Variant Classification (06012015). Collection method: clinical testing. Allele origin: germline. Affected: yes.
Comment: This variant is considered likely benign or benign based on one or more of the following criteria: it is a conservative change, it occurs at a poorly conserved position in the protein, it is predicted to be benign by multiple in silico algorithms, and/or has population frequency not consistent with disease.